The following is an entry in ClinVar:

NM_000059.4(BRCA2):c.6947_6950del (p.Lys2316fs)

Gene: BRCA2 (BRCA2 DNA repair associated; plus strand). Cytogenetic location: 13q13.1.
Variant type: Deletion.
Coding change: c.6947_6950del on transcript NM_000059.4 (MANE Select); coding-DNA positions 6947 to 6950, 4 bases deleted (AAGA; older notation c.6947_6950delAAGA).
Protein change: p.Lys2316fs; shifts the reading frame from lysine 2316.
Molecular consequence: frameshift variant.
Genome position (GRCh38, 1-based): chr13:32,346,836-32,346,839, AAGA deleted; deleting any 4 consecutive bases within chr13:32,346,835-32,346,839 gives the same sequence; the c. name uses the placement nearest the transcript's 3' end. VCF-style (leftmost placement, unchanged base first): chr13-32346834-AAAAG-A. GRCh37 (hg19) VCF-style: chr13-32920971-AAAAG-A.
Other names: 7174DEL4; c.6947_6950delAAGA (NM_000059.3).
Identifiers: ClinVar variation 254592 (VCV000254592.3), dbSNP rs398122571, ClinGen allele CA024613.

ClinVar aggregate classification (germline): Pathogenic. Review status: reviewed by expert panel (3 of 4 stars). 3 submissions from 3 submitters: Pathogenic (1). 2 of the submissions do not count toward it. Last evaluated 2016-09-08.

Conditions:
Breast-ovarian cancer, familial, susceptibility to, 2 (BROVCA2). Also called: BRCA2 Hereditary Breast and Ovarian Cancer. Identifiers: Orphanet 145, MedGen C2675520, MONDO:0012933, OMIM 612555. Disease mechanism: loss of function.

Submissions (3):

Evidence-based Network for the Interpretation of Germline Mutant Alleles (ENIGMA)
Classification: Pathogenic for Breast-ovarian cancer, familial, susceptibility to, 2. Last evaluated: 2016-09-08. Review status: reviewed by expert panel. Criteria: ENIGMA BRCA1/2 Classification Criteria (2015). Collection method: curation. Allele origin: germline.
Comment: Variant allele predicted to encode a truncated non-functional protein.

Consortium of Investigators of Modifiers of BRCA1/2 (CIMBA), c/o University of Cambridge
Classification: Pathogenic for Breast-ovarian cancer, familial, susceptibility to, 2. Last evaluated: 2015-10-02. Review status: criteria provided, single submitter. Criteria: CIMBA Mutation Classification guidelines May 2016. Collection method: clinical testing. Allele origin: germline. Not counted in ClinVar's aggregate classification.

Sharing Clinical Reports Project (SCRP)
Classification: Pathogenic for Breast-ovarian cancer, familial 2. Last evaluated: 2011-05-02. Review status: no assertion criteria provided. Collection method: clinical testing. Allele origin: germline. Not counted in ClinVar's aggregate classification.